The following is an entry in ClinVar:

NM_000465.4(BARD1):c.496C>T (p.Gln166Ter)

Gene: BARD1 (BRCA1 associated RING domain 1; minus strand). Cytogenetic location: 2q35.
Variant type: single nucleotide variant.
Coding change: c.496C>T on transcript NM_000465.4 (MANE Select); coding-DNA position 496, C replaced by T.
Protein change: p.Gln166Ter; replaces glutamine 166 with a stop codon.
Molecular consequence: nonsense. On other transcripts: non-coding transcript variant (2), intron variant (3).
Genome position (GRCh38, 1-based): chr2:214,781,378, G>A on the plus strand (C>T on the coding strand, the complement: BARD1 is on the minus strand). VCF-style: chr2-214781378-G-A. GRCh37 (hg19) VCF-style: chr2-215646102-G-A.
Other names: c.439C>T, p.Gln147Ter (NM_001282543.2); c.158+28034C>T (NM_001282548.2); c.215+15683C>T (NM_001282545.2); c.364+10919C>T (NM_001282549.2); short protein forms Q166*, Q147*.
Identifiers: ClinVar variation 185846 (VCV000185846.19), dbSNP rs786202500, ClinGen allele CA193142.

ClinVar aggregate classification (germline): Pathogenic. Review status: criteria provided, multiple submitters, no conflicts (2 of 4 stars). 7 submissions from 7 submitters: Pathogenic (7). Last evaluated 2025-05-15.

Conditions:
BARD1-related cancer predisposition. Identifiers: MedGen CN377756, MONDO:0700267.
Hereditary cancer-predisposing syndrome. Also called: Hereditary neoplastic syndrome; Neoplastic Syndromes, Hereditary; Tumor predisposition; Hereditary Cancer Syndrome. Identifiers: Orphanet 140162, MedGen C0027672, MeSH D009386, MONDO:0015356.
Familial cancer of breast. Also called: BREAST CANCER, FAMILIAL; Hereditary breast cancer; hereditary breast carcinoma. Identifiers: Orphanet 227535, MedGen C0346153, MONDO:0016419, OMIM 114480. Disease mechanism: loss of function.

Allele frequency attached by ClinVar (database versions not stated): gnomAD exomes below 0.00001.

Submissions (7):

Labcorp Genetics (formerly Invitae), Labcorp
Classification: Pathogenic for Familial cancer of breast. Last evaluated: 2025-05-15. Review status: criteria provided, single submitter. Criteria: Invitae Variant Classification Sherloc (09022015). Collection method: clinical testing. Allele origin: germline.
Comment: This sequence change creates a premature translational stop signal (p.Gln166*) in the BARD1 gene. It is expected to result in an absent or disrupted protein product. Loss-of-function variants in BARD1 are known to be pathogenic (PMID: 20077502, 21344236). This variant is present in population databases (rs786202500, gnomAD 0.0009%). This variant has not been reported in the literature in individuals affected with BARD1-related conditions. ClinVar contains an entry for this variant (Variation ID: 185846). For these reasons, this variant has been classified as Pathogenic.

Quest Diagnostics Nichols Institute San Juan Capistrano
Classification: Pathogenic. Last evaluated: 2024-09-27. Review status: criteria provided, single submitter. Criteria: Quest Diagnostics criteria. Collection method: clinical testing. Allele origin: unknown.
Comment: The BARD1 c.496C>T (p.Gln166*) variant causes the premature termination of BARD1 protein synthesis. This variant has been reported in the published literature in individual(s) with ovarian cancer (PMID: 28888541 (2017)). The frequency of this variant in the general population, 0.000004 (1/250964 chromosomes (Genome Aggregation Database)), is consistent with pathogenicity. Based on the available information, this variant is classified as pathogenic.

Ambry Genetics
Classification: Pathogenic for Hereditary cancer-predisposing syndrome. Last evaluated: 2024-09-24. Review status: criteria provided, single submitter. Criteria: Ambry Variant Classification Scheme 2023. Collection method: clinical testing. Allele origin: germline.
Comment: The p.Q166* pathogenic mutation (also known as c.496C>T), located in coding exon 4 of the BARD1 gene, results from a C to T substitution at nucleotide position 496. This changes the amino acid from a glutamine to a stop codon within coding exon 4. This alteration is expected to result in loss of function by premature protein truncation or nonsense-mediated mRNA decay. As such, this alteration is interpreted as a disease-causing mutation.

Molecular Pathology, Peter Maccallum Cancer Centre
Classification: Pathogenic for BARD1-related cancer predisposition. Last evaluated: 2024-06-20. Review status: criteria provided, single submitter. Criteria: ACMG Guidelines, 2015. Collection method: clinical testing. Allele origin: germline. Inheritance: Autosomal dominant inheritance.

Fulgent Genetics
Classification: Pathogenic for Familial cancer of breast. Last evaluated: 2024-05-19. Review status: criteria provided, single submitter. Criteria: ACMG Guidelines, 2015. Collection method: clinical testing. Allele origin: germline.

Myriad Genetics, Inc.
Classification: Pathogenic for Familial cancer of breast. Last evaluated: 2023-05-18. Review status: criteria provided, single submitter. Criteria: Myriad Autosomal Dominant, Autosomal Recessive and X-Linked Classification Criteria (2023). Collection method: clinical testing. Allele origin: unknown.
Comment: This variant is considered pathogenic. This variant creates a termination codon and is predicted to result in premature protein truncation.

GeneDx
Classification: Pathogenic. Last evaluated: 2015-05-29. Review status: criteria provided, single submitter. Criteria: GeneDx Variant Classification (06012015). Collection method: clinical testing. Allele origin: germline. Affected: yes.
Comment: This pathogenic variant is denoted BARD1 c.496C>T at the cDNA level and p.Gln166Ter (Q166X) at the protein level. The substitution creates a nonsense variant, which changes a Glutamine to a premature stop codon (CAG>TAG), and is predicted to cause loss of normal protein function through either protein truncation or nonsense-mediated mRNA decay. Although this variant has not, to our knowledge, been reported in the literature, it is considered pathogenic.

Literature cited by the submitters: PubMed 20077502 (cited by Labcorp Genetics (formerly Invitae), Labcorp); PubMed 21344236 (cited by Labcorp Genetics (formerly Invitae), Labcorp); PubMed 28888541 (cited by Quest Diagnostics Nichols Institute San Juan Capistrano).